The following is an entry in ClinVar:

ClinVar aggregate classification (germline): Likely benign (1 of 4 stars; one submission).

Allele frequency attached by ClinVar (database versions not stated): ExAC 0.00001; gnomAD 0.00001; gnomAD exomes 0.00001; TOPMed 0.00001.
gnomAD v4.1: 17 of 1,613,866 alleles (0.0011%); highest among the groups gnomAD compares: Middle Eastern, 0.016%; no homozygotes.

Submission:

CeGaT Center for Human Genetics Tuebingen
Classification: Likely benign. Last evaluated: 2022-08-01. Review status: criteria provided, single submitter. Criteria: CeGaT Center For Human Genetics Tuebingen Variant Classification Criteria Version 2. Collection method: clinical testing. Allele origin: germline. Affected: yes. Observed: 1 variant allele.
Comment: MME: BP4

NM_007289.4(MME):c.313G>A (p.Gly105Ser)

Gene: MME (membrane metalloendopeptidase; plus strand). Cytogenetic location: 3q25.2.
Variant type: single nucleotide variant.
Coding change: c.313G>A on transcript NM_007289.4 (MANE Select); coding-DNA position 313, G replaced by A.
Protein change: p.Gly105Ser; replaces glycine 105 with serine.
Molecular consequence: missense variant.
Genome position (GRCh38, 1-based): chr3:155,115,110, G>A. VCF-style: chr3-155115110-G-A. GRCh37 (hg19) VCF-style: chr3-154832899-G-A.
Other names: c.313G>A, p.Gly105Ser (NM_000902.5, NM_001354642.2, NM_001354643.1 and 2 more transcripts); short protein forms G105S.
Identifiers: ClinVar variation 1711581 (VCV001711581.30), dbSNP rs752570847, ClinGen allele CA2675104.
Genomic context (GRCh38, chr3:155,115,110, plus strand): 5'-AAATATGCTTGCGGAGGCTGGTTGAAACGTAATGTCATTCCCGAGACCAGCTCCCGTTAC[G>A]GCAACTTTGACATTTTAAGAGATGAACTAGAAGTCGTTTTGAAAGGTTAGTAGAGATTGT-3'
Protein context (NP_009220.2, residues 95-115): NVIPETSSRY[Gly105Ser]NFDILRDELE